The following is an entry in ClinVar:

NM_080680.3(COL11A2):c.2816T>C (p.Met939Thr)

Gene: COL11A2 (collagen type XI alpha 2 chain; minus strand). Cytogenetic location: 6p21.32.
Variant type: single nucleotide variant.
Coding change: c.2816T>C on transcript NM_080680.3 (MANE Select); coding-DNA position 2816, T replaced by C.
Protein change: p.Met939Thr; replaces methionine 939 with threonine.
Molecular consequence: missense variant.
Genome position (GRCh38, 1-based): chr6:33,172,612, A>G on the plus strand (T>C on the coding strand, the complement: COL11A2 is on the minus strand). VCF-style: chr6-33172612-A-G. GRCh37 (hg19) VCF-style: chr6-33140389-A-G.
Other names: c.2636T>C, p.Met879Thr (NM_001424108.1); c.1970T>C, p.Met657Thr (NM_001424109.1); c.1790T>C, p.Met597Thr (NM_001424110.1, NM_001424111.1); c.770T>C, p.Met257Thr (NM_001424112.1); c.2495T>C, p.Met832Thr (NM_080679.3); c.2558T>C, p.Met853Thr (NM_080681.3); short protein forms M257T, M597T, M657T, M832T, M853T, M879T, M939T.
Identifiers: ClinVar variation 3368579 (VCV003368579.3).

ClinVar aggregate classification (germline): Uncertain significance. Review status: criteria provided, multiple submitters, no conflicts (2 of 4 stars). 2 submissions from 2 submitters: Uncertain significance (2). Last evaluated 2024-04-25.

gnomAD v4.1: 4 of 1,612,046 alleles (0.00025%); highest among the groups gnomAD compares: Non-Finnish European, 0.00034%; no homozygotes.

Submissions (2):

Labcorp Genetics (formerly Invitae), Labcorp
Classification: Uncertain significance. Last evaluated: 2024-04-25. Review status: criteria provided, single submitter. Criteria: Invitae Variant Classification Sherloc (09022015). Collection method: clinical testing. Allele origin: germline.
Comment: This sequence change replaces methionine, which is neutral and non-polar, with threonine, which is neutral and polar, at codon 939 of the COL11A2 protein (p.Met939Thr). This variant is present in population databases (rs776182237, gnomAD 0.002%). This variant has not been reported in the literature in individuals affected with COL11A2-related conditions. Advanced modeling of protein sequence and biophysical properties (such as structural, functional, and spatial information, amino acid conservation, physicochemical variation, residue mobility, and thermodynamic stability) performed at Invitae indicates that this missense variant is not expected to disrupt COL11A2 protein function with a negative predictive value of 95%. In summary, the available evidence is currently insufficient to determine the role of this variant in disease. Therefore, it has been classified as a Variant of Uncertain Significance.

GeneDx
Classification: Uncertain significance. Last evaluated: 2024-01-30. Review status: criteria provided, single submitter. Criteria: GeneDx Variant Classification Process June 2021. Collection method: clinical testing. Allele origin: germline. Affected: yes.
Comment: Not observed at significant frequency in large population cohorts (gnomAD); In silico analysis supports that this missense variant has a deleterious effect on protein structure/function; Has not been previously published as pathogenic or benign to our knowledge